The following is an entry in ClinVar:

ClinVar aggregate classification (germline): Uncertain significance (1 of 4 stars; one submission).

Conditions:
Inborn genetic diseases. Identifiers: MedGen C0950123, MeSH D030342.

Allele frequency attached by ClinVar (database versions not stated): 1000 Genomes Project 30x 0.00016; 1000 Genomes Project 0.00020.
gnomAD v4.1: 3 of 1,614,260 alleles (0.00019%); highest among the groups gnomAD compares: Middle Eastern, 0.016%; no homozygotes.

Submission:

Ambry Genetics
Classification: Uncertain significance for Inborn genetic diseases. Last evaluated: 2020-11-13. Review status: criteria provided, single submitter. Criteria: Ambry Variant Classification Scheme 2023. Collection method: clinical testing. Allele origin: germline.
Comment: The p.A126D variant (also known as c.377C>A), located in coding exon 4 of the NTRK1 gene, results from a C to A substitution at nucleotide position 377. The alanine at codon 126 is replaced by aspartic acid, an amino acid with dissimilar properties. This amino acid position is not well conserved in available vertebrate species. In addition, this alteration is predicted to be tolerated by in silico analysis. Since supporting evidence is limited at this time, the clinical significance of this alteration remains unclear.

NM_002529.4(NTRK1):c.377C>A (p.Ala126Asp)

Gene: NTRK1 (neurotrophic receptor tyrosine kinase 1; plus strand). Cytogenetic location: 1q23.1.
Variant type: single nucleotide variant.
Coding change: c.377C>A on transcript NM_002529.4 (MANE Select); coding-DNA position 377, C replaced by A.
Protein change: p.Ala126Asp; replaces alanine 126 with aspartic acid.
Molecular consequence: missense variant.
Genome position (GRCh38, 1-based): chr1:156,866,927, C>A. VCF-style: chr1-156866927-C-A. GRCh37 (hg19) VCF-style: chr1-156836719-C-A.
Other names: c.377C>A, p.Ala126Asp (NM_001007204.1, NM_001012331.2); c.287C>A, p.Ala96Asp (NM_001007792.1); short protein forms A126D, A96D.
Identifiers: ClinVar variation 1734833 (VCV001734833.2), dbSNP rs539589077, ClinGen allele CA31106532.